The following is an entry in ClinVar:

ClinVar aggregate classification (germline): Benign/Likely benign. Review status: criteria provided, multiple submitters, no conflicts (2 of 4 stars). 5 submissions from 5 submitters: Benign (3); Likely benign (2). Last evaluated 2026-09-01.

Conditions:
Inborn genetic diseases. Identifiers: MedGen C0950123, MeSH D030342.

Allele frequency attached by ClinVar (database versions not stated): gnomAD exomes 0.00231 and 0.00316; ExAC 0.00238; ESP Exome Variant Server 0.00284; 1000 Genomes Project 30x 0.00047; 1000 Genomes Project 0.00060; gnomAD 0.00194 and 0.00201; TOPMed 0.00201.
gnomAD v4.1: 4,867 of 1,597,434 alleles (0.3%); highest among the groups gnomAD compares: Non-Finnish European, 0.38%; 15 homozygotes.

Submissions (5):

CeGaT Center for Human Genetics Tuebingen
Classification: Benign. Last evaluated: 2026-09-01. Review status: criteria provided, single submitter. Criteria: CeGaT Center For Human Genetics Tuebingen Variant Classification Criteria Version 2. Collection method: clinical testing. Allele origin: germline. Affected: yes. Observed: 18 variant alleles.
Comment: KAT6A: BP4, BS1, BS2

Labcorp Genetics (formerly Invitae), Labcorp
Classification: Benign. Last evaluated: 2026-02-02. Review status: criteria provided, single submitter. Criteria: Invitae Variant Classification Sherloc (09022015). Collection method: clinical testing. Allele origin: germline.

Blueprint Genetics
Classification: Likely benign. Last evaluated: 2024-11-22. Review status: criteria provided, single submitter. Criteria: ACMG Guidelines, 2015. Collection method: clinical testing. Allele origin: germline.

GeneDx
Classification: Benign. Last evaluated: 2018-10-22. Review status: criteria provided, single submitter. Criteria: GeneDx Variant Classification Process June 2021. Collection method: clinical testing. Allele origin: germline. Affected: yes.

Ambry Genetics
Classification: Likely benign for Inborn genetic diseases. Last evaluated: 2016-10-24. Review status: criteria provided, single submitter. Criteria: Ambry Variant Classification Scheme 2023. Collection method: clinical testing. Allele origin: germline.

NM_006766.5(KAT6A):c.1477C>T (p.Leu493=)

Gene: KAT6A (lysine acetyltransferase 6A; minus strand). Cytogenetic location: 8p11.21.
Variant type: single nucleotide variant.
Coding change: c.1477C>T on transcript NM_006766.5 (MANE Select); coding-DNA position 1477, C replaced by T.
Protein change: p.Leu493=; no amino-acid change (leucine 493 retained).
Molecular consequence: synonymous variant.
Genome position (GRCh38, 1-based): chr8:41,974,709, G>A on the plus strand (C>T on the coding strand, the complement: KAT6A is on the minus strand). VCF-style: chr8-41974709-G-A. GRCh37 (hg19) VCF-style: chr8-41832227-G-A.
Other names: c.1477C>T, p.Leu493= (NM_001305878.2).
Identifiers: ClinVar variation 588369 (VCV000588369.39), dbSNP rs61753684, ClinGen allele CA4730169.